The following is an entry in ClinVar:

ClinVar aggregate classification (germline): Likely benign. Review status: criteria provided, multiple submitters, no conflicts (2 of 4 stars). 3 submissions from 3 submitters: Likely benign (3). Last evaluated 2026-02-01.

Conditions:
Autosomal recessive limb-girdle muscular dystrophy type 2Y (MRRSDC). Also called: Muscular dystrophy, autosomal recessive, with rigid spine and distal joint contractures; Muscular dystrophy, limb-girdle, type 2y. Identifiers: Orphanet 424261, MedGen C4511482, MONDO:0014900, OMIM 617072.

Allele frequency attached by ClinVar (database versions not stated): gnomAD 0.00004 and 0.00005; gnomAD exomes 0.00005 and 0.00009; TOPMed 0.00006; ExAC 0.00014.
gnomAD v4.1: 82 of 1,614,066 alleles (0.0051%); highest among the groups gnomAD compares: Non-Finnish European, 0.0061%; no homozygotes.

Submissions (3):

CeGaT Center for Human Genetics Tuebingen
Classification: Likely benign. Last evaluated: 2026-02-01. Review status: criteria provided, single submitter. Criteria: CeGaT Center For Human Genetics Tuebingen Variant Classification Criteria Version 2. Collection method: clinical testing. Allele origin: germline. Affected: yes. Observed: 1 variant allele.
Comment: TOR1AIP1: BP4, BP7

Labcorp Genetics (formerly Invitae), Labcorp
Classification: Likely benign for Autosomal recessive limb-girdle muscular dystrophy type 2Y. Last evaluated: 2025-08-18. Review status: criteria provided, single submitter. Criteria: Invitae Variant Classification Sherloc (09022015). Collection method: clinical testing. Allele origin: germline.

Blueprint Genetics
Classification: Likely benign. Last evaluated: 2023-11-02. Review status: criteria provided, single submitter. Criteria: ACMG Guidelines, 2015. Collection method: clinical testing. Allele origin: germline.

NM_015602.4(TOR1AIP1):c.1455C>T (p.Pro485=)

Gene: TOR1AIP1 (torsin 1A interacting protein 1; plus strand). Cytogenetic location: 1q25.2.
Variant type: single nucleotide variant.
Coding change: c.1455C>T on transcript NM_015602.4 (MANE Select); coding-DNA position 1455, C replaced by T.
Protein change: p.Pro485=; no amino-acid change (proline 485 retained).
Molecular consequence: synonymous variant.
Genome position (GRCh38, 1-based): chr1:179,917,942, C>T. VCF-style: chr1-179917942-C-T. GRCh37 (hg19) VCF-style: chr1-179887077-C-T.
Other names: c.1458C>T, p.Pro486= (NM_001267578.2).
Identifiers: ClinVar variation 1114781 (VCV001114781.14), dbSNP rs750693473, ClinGen allele CA1269150.